The following is an entry in ClinVar:

ClinVar aggregate classification (germline): Likely benign (0 of 4 stars; one submission).

Conditions:
TRPC5-related disorder. Also called: TRPC5-related condition.

Submission:

PreventionGenetics, part of Exact Sciences
Classification: Likely benign for TRPC5-related condition. Last evaluated: 2021-12-09. Review status: no assertion criteria provided. Collection method: clinical testing. Allele origin: germline.
Comment: This variant is classified as likely benign based on ACMG/AMP sequence variant interpretation guidelines (Richards et al. 2015 PMID: 25741868, with internal and published modifications).

NM_012471.3(TRPC5):c.690C>A (p.Leu230=)

Gene: TRPC5 (transient receptor potential cation channel subfamily C member 5; minus strand). Cytogenetic location: Xq23.
Variant type: single nucleotide variant.
Coding change: c.690C>A on transcript NM_012471.3 (MANE Select); coding-DNA position 690, C replaced by A.
Protein change: p.Leu230=; no amino-acid change (leucine 230 retained).
Molecular consequence: synonymous variant.
Genome position (GRCh38, 1-based): chrX:111,912,501, G>T on the plus strand (C>A on the coding strand, the complement: TRPC5 is on the minus strand). VCF-style: chrX-111912501-G-T. GRCh37 (hg19) VCF-style: chrX-111155729-G-T.
Identifiers: ClinVar variation 3354717 (VCV003354717.1).